The following is an entry in ClinVar:

NM_000183.3(HADHB):c.1387C>G (p.Gln463Glu)

Gene: HADHB (hydroxyacyl-CoA dehydrogenase trifunctional multienzyme complex subunit beta; plus strand). Cytogenetic location: 2p23.3.
Variant type: single nucleotide variant.
Coding change: c.1387C>G on transcript NM_000183.3 (MANE Select); coding-DNA position 1387, C replaced by G.
Protein change: p.Gln463Glu; replaces glutamine 463 with glutamic acid.
Molecular consequence: missense variant.
Genome position (GRCh38, 1-based): chr2:26,285,569, C>G. VCF-style: chr2-26285569-C-G. GRCh37 (hg19) VCF-style: chr2-26508437-C-G.
Other names: c.1342C>G, p.Gln448Glu (NM_001281512.2); c.1321C>G, p.Gln441Glu (NM_001281513.2); short protein forms Q463E, Q441E, Q448E.
Identifiers: ClinVar variation 1961326 (VCV001961326.5), dbSNP rs2465739308, ClinGen allele CA346097015.
Genomic context (GRCh38, chr2:26,285,569, plus strand): 5'-AACAGATTACGGAAAGAAGGAGGCCAGTATGGCTTAGTGGCTGCGTGTGCAGCTGGAGGG[C>G]AGGTACGTTACAGTGGTGTCATAGGACCCTCCAGAGAGTCATTTTCTTGGAATGACTAGA-3'
Protein context (NP_000174.1, residues 453-473): GLVAACAAGG[Gln463Glu]GHAMIVEAYP

ClinVar aggregate classification (germline): Uncertain significance (1 of 4 stars; one submission).

Conditions:
Mitochondrial trifunctional protein deficiency. Identifiers: Orphanet 746, MedGen C1969443, MONDO:0012172.

Submission:

Labcorp Genetics (formerly Invitae), Labcorp
Classification: Uncertain significance for Mitochondrial trifunctional protein deficiency. Last evaluated: 2022-07-15. Review status: criteria provided, single submitter. Criteria: Invitae Variant Classification Sherloc (09022015). Collection method: clinical testing. Allele origin: germline.
Comment: This sequence change replaces glutamine, which is neutral and polar, with glutamic acid, which is acidic and polar, at codon 463 of the HADHB protein (p.Gln463Glu). This variant is not present in population databases (gnomAD no frequency). This missense change has been observed in individual(s) with clinical features of HADHB-related conditions (Invitae). In at least one individual the data is consistent with being in trans (on the opposite chromosome) from a pathogenic variant. Algorithms developed to predict the effect of missense changes on protein structure and function are either unavailable or do not agree on the potential impact of this missense change (SIFT: "Deleterious"; PolyPhen-2: "Possibly Damaging"; Align-GVGD: "Class C0"). In summary, the available evidence is currently insufficient to determine the role of this variant in disease. Therefore, it has been classified as a Variant of Uncertain Significance.